The following is an entry in ClinVar:

ClinVar aggregate classification (germline): Likely pathogenic (1 of 4 stars; one submission).

Conditions:
Primary ciliary dyskinesia 10. Also called: CILIARY DYSKINESIA, PRIMARY, 10, WITH OR WITHOUT SITUS INVERSUS. Identifiers: Orphanet 244, MedGen C2675867, MONDO:0012918, OMIM 612518.

Submission:

MVZ Medizinische Genetik Mainz
Classification: Likely pathogenic for Primary ciliary dyskinesia 10. Last evaluated: 2026-08-25. Review status: criteria provided, single submitter. Criteria: UK Practice Guidelines For Variant Classification V4 01 2020. Collection method: clinical testing. Allele origin: germline. Inheritance: Autosomal recessive inheritance. Affected: yes. Observed: 1 variant allele.
Comment: ACMG Criteria: PVS1,PM2_SUP

NM_018139.3(DNAAF2):c.1493C>A (p.Ser498Ter)

Gene: DNAAF2 (dynein axonemal assembly factor 2; minus strand). Cytogenetic location: 14q21.3.
Variant type: single nucleotide variant.
Coding change: c.1493C>A on transcript NM_018139.3 (MANE Select); coding-DNA position 1493, C replaced by A.
Protein change: p.Ser498Ter; replaces serine 498 with a stop codon.
Molecular consequence: nonsense. On other transcripts: 5 prime UTR variant (1).
Genome position (GRCh38, 1-based): chr14:49,633,657, G>T on the plus strand (C>A on the coding strand, the complement: DNAAF2 is on the minus strand). VCF-style: chr14-49633657-G-T. GRCh37 (hg19) VCF-style: chr14-50100375-G-T.
Other names: c.1493C>A, p.Ser498Ter (NM_001083908.2); c.-379C>A (NM_001378453.1); short protein forms S498*.
Identifiers: ClinVar variation 5010165 (VCV005010165.1).
Genomic context (GRCh38, chr14:49,633,657, plus strand): 5'-CCGCTCTTGGTCCCGGGACCACCCATGGCGCAGGCTGAGCGCTGGCCGCCCGTGCCCTCC[G>T]ACTCCTCGCGTGTTTCCACACTGCTATCTCCGCGCGCACTCTCTCTTCCCGCAGAAGAAC-3'